The following is an entry in ClinVar:

NM_012105.5(BACE2):c.1135-10C>T

Gene: BACE2 (beta-secretase 2; plus strand). Cytogenetic location: 21q22.3.
Variant type: single nucleotide variant.
Coding change: c.1135-10C>T on transcript NM_012105.5 (MANE Select); 10 bases into the intron before coding-DNA position 1135, C replaced by T.
Molecular consequence: intron variant.
Genome position (GRCh38, 1-based): chr21:41,257,148, C>T. VCF-style: chr21-41257148-C-T. GRCh37 (hg19) VCF-style: chr21-42629075-C-T.
Other names: NC_000021.8:g.42629075C>T; c.1134+6247C>T (NM_138992.3); c.985-10C>T (NM_138991.3).
Identifiers: ClinVar variation 786689 (VCV000786689.8), dbSNP rs73368323, ClinGen allele CA10032284.

ClinVar aggregate classification (germline): Benign. Review status: criteria provided, multiple submitters, no conflicts (2 of 4 stars). 3 submissions from 3 submitters: Benign (2). 1 of the submissions does not count toward it. Last evaluated 2019-12-31.

Conditions:
BACE2-related disorder. Also called: BACE2-related condition.

Allele frequency attached by ClinVar (database versions not stated): 1000 Genomes Project 0.02895; 1000 Genomes Project 30x 0.03076; ExAC 0.00794; gnomAD 0.02319 and 0.02467; ESP Exome Variant Server 0.02376; TOPMed 0.02540.
gnomAD v4.1: 7,475 of 1,614,068 alleles (0.46%); highest among the groups gnomAD compares: African/African-American, 7.9%; 252 homozygotes.

Submissions (10):

Labcorp Genetics (formerly Invitae), Labcorp
Classification: Benign. Last evaluated: 2019-12-31. Review status: criteria provided, single submitter. Criteria: Invitae Variant Classification Sherloc (09022015). Collection method: clinical testing. Allele origin: germline.

Breakthrough Genomics
Classification: Benign. Review status: criteria provided, single submitter. Criteria: ACMG Guidelines, 2015. Collection method: not provided. Allele origin: germline. Inheritance: Unknown mechanism. Affected: yes.

PreventionGenetics, part of Exact Sciences
Classification: Benign for BACE2-related condition. Last evaluated: 2019-11-07. Review status: no assertion criteria provided. Collection method: clinical testing. Allele origin: germline. Not counted in ClinVar's aggregate classification.
Comment: This variant is classified as benign based on ACMG/AMP sequence variant interpretation guidelines (Richards et al. 2015 PMID: 25741868, with internal and published modifications).

Dr. Peter K. Rogan Lab, Western University
No classification provided (evidence only). Condition: Uterine corpus endometrial carcinoma. Review status: no classification provided. Collection method: in vitro. Allele origin: not applicable. Functional consequence: retained intron. Not counted in ClinVar's aggregate classification.

Dr. Peter K. Rogan Lab, Western University
No classification provided (evidence only). Condition: Uterine corpus endometrial carcinoma. Review status: no classification provided. Collection method: in vitro. Allele origin: not applicable. Functional consequence: retained intron. Not counted in ClinVar's aggregate classification.

Dr. Peter K. Rogan Lab, Western University
No classification provided (evidence only). Condition: Uterine corpus endometrial carcinoma. Review status: no classification provided. Collection method: in vitro. Allele origin: not applicable. Functional consequence: retained intron. Not counted in ClinVar's aggregate classification.

Dr. Peter K. Rogan Lab, Western University
No classification provided (evidence only). Condition: Uterine corpus endometrial carcinoma. Review status: no classification provided. Collection method: in vitro. Allele origin: not applicable. Functional consequence: retained intron. Not counted in ClinVar's aggregate classification.

Dr. Peter K. Rogan Lab, Western University
No classification provided (evidence only). Condition: Cervical cancer. Review status: no classification provided. Collection method: in vitro. Allele origin: not applicable. Functional consequence: skipped exon, retained intron. Not counted in ClinVar's aggregate classification.

Dr. Peter K. Rogan Lab, Western University
No classification provided (evidence only). Condition: Cervical cancer. Review status: no classification provided. Collection method: in vitro. Allele origin: not applicable. Functional consequence: retained intron. Not counted in ClinVar's aggregate classification.

Dr. Peter K. Rogan Lab, Western University
No classification provided (evidence only). Condition: Sarcoma. Review status: no classification provided. Collection method: in vitro. Allele origin: not applicable. Functional consequence: retained intron. Not counted in ClinVar's aggregate classification.